The following is an entry in ClinVar:

ClinVar aggregate classification (germline): Conflicting classifications of pathogenicity. Review status: criteria provided, conflicting classifications (1 of 4 stars). 20 submissions from 20 submitters: Uncertain significance (12); Benign (1); Likely benign (3). 4 of the submissions do not count toward it. Last evaluated 2025-12-01.

Conditions:
BRCA2-related cancer predisposition. Identifiers: MedGen CN377758, MONDO:0700269.
BRCA2-related disorder. Also called: BRCA2-related condition; BRCA2-related disorders. Identifiers: MedGen CN239275.
Hereditary cancer-predisposing syndrome. Also called: Hereditary Cancer Syndrome; Neoplastic Syndromes, Hereditary; Hereditary neoplastic syndrome; Tumor predisposition. Identifiers: Orphanet 140162, MedGen C0027672, MeSH D009386, MONDO:0015356.
Hereditary breast ovarian cancer syndrome. Also called: Hereditary breast and ovarian cancer syndrome; Breast and ovarian cancer; BRCA1- and BRCA2-Associated Hereditary Breast and Ovarian Cancer; Hereditary breast and/or ovarian cancer syndrome; Hereditary breast and ovarian cancer; Hereditary breast and ovarian cancer syndrome (HBOC). Identifiers: Orphanet 145, MedGen C0677776, MeSH D061325, MONDO:0003582. Disease mechanism: loss of function.
Breast-ovarian cancer, familial, susceptibility to, 2 (BROVCA2). Also called: BRCA2 Hereditary Breast and Ovarian Cancer. Identifiers: Orphanet 145, MedGen C2675520, MONDO:0012933, OMIM 612555. Disease mechanism: loss of function.
Familial cancer of breast. Also called: hereditary breast carcinoma; BREAST CANCER, FAMILIAL; Hereditary breast cancer. Identifiers: Orphanet 227535, MedGen C0346153, MONDO:0016419, OMIM 114480. Disease mechanism: loss of function.

Allele frequency attached by ClinVar (database versions not stated): gnomAD 0.00001; ExAC 0.00002; gnomAD exomes 0.00002 and 0.00004; TOPMed 0.00003; ESP Exome Variant Server 0.00008.
gnomAD v4.1: 64 of 1,614,004 alleles (0.004%); highest among the groups gnomAD compares: Non-Finnish European, 0.0053%; no homozygotes.

Submissions 1 to 9 of 20:

Labcorp Genetics (formerly Invitae), Labcorp
Classification: Likely benign for Hereditary breast ovarian cancer syndrome. Last evaluated: 2025-12-01. Review status: criteria provided, single submitter. Criteria: Invitae Variant Classification Sherloc (09022015). Collection method: clinical testing. Allele origin: germline.

Ambry Genetics
Classification: Benign for Hereditary cancer-predisposing syndrome. Last evaluated: 2025-05-19. Review status: criteria provided, single submitter. Criteria: Ambry Variant Classification Scheme 2023. Collection method: clinical testing. Allele origin: germline.

Women's Health and Genetics/Laboratory Corporation of America, LabCorp
Classification: Likely benign. Last evaluated: 2025-03-21. Review status: criteria provided, single submitter. Criteria: LabCorp Variant Classification Summary - May 2015. Collection method: clinical testing. Allele origin: germline.
Comment: Variant summary: BRCA2 c.8668C>A (p.Leu2890Ile) results in a conservative amino acid change in the encoded protein sequence. Four of five in-silico tools predict a benign effect of the variant on protein function. The variant allele was found at a frequency of 1.6e-05 in 251326 control chromosomes. The available data on variant occurrences in the general population are insufficient to allow any conclusion about variant significance. c.8668C>A has been reported in the literature in individuals affected with Breast and Ovarian Cancer (example, Karchin_2008) and other cancer phenotypes (example, Kote-Jarai_2011, Deihimi_2017). These reports do not provide unequivocal conclusions about association of the variant with Hereditary Breast And Ovarian Cancer Syndrome. At-least one co-occurrence with another pathogenic variant(s) have been observed at our laboratory (BRCA1 c.3340G>T, p.Glu1114*), providing supporting evidence for a benign role. To our knowledge, no experimental evidence demonstrating an impact on protein function has been reported. The following publications have been ascertained in the context of this evaluation (PMID: 28591715, 24817641, 19043619, 21952622). ClinVar contains an entry for this variant (Variation ID: 52655). Based on the evidence outlined above, the variant was classified as likely benign.

Molecular Pathology, Peter Maccallum Cancer Centre
Classification: Uncertain significance for Breast-ovarian cancer, familial, susceptibility to, 2. Last evaluated: 2024-10-14. Review status: criteria provided, single submitter. Criteria: ACMG Guidelines, 2015. Collection method: clinical testing. Allele origin: germline. Inheritance: Autosomal dominant inheritance.

PreventionGenetics, part of Exact Sciences
Classification: Uncertain significance for BRCA2-related condition. Last evaluated: 2024-10-07. Review status: criteria provided, single submitter. Criteria: ACMG Guidelines, 2015. Collection method: clinical testing. Allele origin: germline.
Comment: The BRCA2 c.8668C>A variant is predicted to result in the amino acid substitution p.Leu2890Ile. This variant was identified in an individual with a history of prostate cancer (Supplementary Table 1, Kote-Jarai et al. 2011. PubMed ID: 21952622), in three individuals with breast cancer (Breast Cancer Association Consortium et al. 2021. PubMed ID: 33471991), an individual suspected of having hereditary breast and/or ovarian cancer (HBOC, Matta et al. 2022. PubMed ID: 36329109), and two healthy control individuals (Breast Cancer Association Consortium et al. 2021. PubMed ID: 33471991). This variant is reported in 0.0080% of alleles in individuals of African descent in gnomAD and has conflicting interpretations in ClinVar regarding its pathogenicity, ranging from likely benign to a variant of uncertain significance. At this time, the clinical significance of this variant is uncertain due to the absence of conclusive functional and genetic evidence.

All of Us Research Program, National Institutes of Health
Classification: Uncertain significance for BRCA2-related cancer predisposition. Last evaluated: 2024-07-29. Review status: criteria provided, single submitter. Criteria: ACMG Guidelines, 2015. Collection method: clinical testing. Allele origin: germline. Inheritance: Autosomal dominant inheritance. Observed: 6 variant alleles, 6 heterozygotes.
Comment: This missense variant replaces leucine with isoleucine at codon 2890 of the BRCA2 protein. Computational prediction suggests that this variant may not impact protein structure and function. A functional assay has reported that this variant protein showed intermediate activity between wild-type and null variant proteins in a cisplatin and PARP inhibitor sensitivity assays using mouse embryonic stem cells (PMID: 37922907). This variant has been reported in at least one individual each affected with breast or ovarian cancer (PMID: 36329109), prostate cancer (PMID: 21952622) and colorectal cancer (PMID: 28591715). This variant also has been detected in a breast cancer case-control meta-analysis in 3/60466 cases and 2/53461 unaffected individuals (PMID: 33471991; Leiden Open Variation Database DB-ID BRCA2_000363), and it was reported in a multifactorial analysis with likelihood for pathogenicity based on personal and family history of 0.718 (PMID: 31853058). This variant has also been identified in 5/282728 chromosomes in the general population by the Genome Aggregation Database (gnomAD). The available evidence is insufficient to determine the role of this variant in disease conclusively. Therefore, this variant is classified as a Variant of Uncertain Significance.

This study involves interpretation of variants in research participants for the purpose of population health screening. Participant phenotype was not available at the time of variant classification. Additional details can be found in publication PMID: 35346344, PMCID: PMC8962531

Color Diagnostics, LLC DBA Color Health
Classification: Uncertain significance for Hereditary cancer-predisposing syndrome. Last evaluated: 2024-07-18. Review status: criteria provided, single submitter. Criteria: ACMG Guidelines, 2015. Collection method: clinical testing. Allele origin: germline.
Comment: This missense variant replaces leucine with isoleucine at codon 2890 of the BRCA2 protein. Computational prediction suggests that this variant may not impact protein structure and function. A functional assay has reported that this variant protein showed intermediate activity between wild-type and null variant proteins in a cisplatin and PARP inhibitor sensitivity assays using mouse embryonic stem cells (PMID: 37922907). This variant has been reported in at least one individual each affected with breast or ovarian cancer (PMID: 36329109), prostate cancer (PMID: 21952622) and colorectal cancer (PMID: 28591715). This variant also has been detected in a breast cancer case-control meta-analysis in 3/60466 cases and 2/53461 unaffected individuals (PMID: 33471991; Leiden Open Variation Database DB-ID BRCA2_000363), and it was reported in a multifactorial analysis with likelihood for pathogenicity based on personal and family history of 0.718 (PMID: 31853058). This variant has also been identified in 5/282728 chromosomes in the general population by the Genome Aggregation Database (gnomAD). The available evidence is insufficient to determine the role of this variant in disease conclusively. Therefore, this variant is classified as a Variant of Uncertain Significance.

MGZ Medical Genetics Center
Classification: Uncertain significance for Familial cancer of breast. Last evaluated: 2024-02-09. Review status: criteria provided, single submitter. Criteria: CSpec BRCA1/2ACMG Rules Specifications V1.1.0. Collection method: clinical testing. Allele origin: germline. Affected: yes.
Comment: ACMG codes applied following ENIGMA VCEP rules: BP4

Quest Diagnostics Nichols Institute San Juan Capistrano
Classification: Uncertain significance. Last evaluated: 2024-02-01. Review status: criteria provided, single submitter. Criteria: Quest Diagnostics criteria. Collection method: clinical testing. Allele origin: unknown.
Comment: The BRCA2 c.8668C>A (p.Leu2890Ile) variant has been reported in the published literature in affected individuals with prostate cancer and in carriers from high risk breast and/or ovarian cancer families (PMIDs: 19043619 (2008), 21952622 (2011), and 36329109 (2022)). It was also reported in breast cancer cases as well as in reportedly healthy individuals in a large scale breast cancer association study (PMID: 33471991 (2021), see also LOVD). The frequency of this variant in the general population, 0.000018 (5/282728 chromosomes (Genome Aggregation Database)), is uninformative in the assessment of its pathogenicity. Analysis of this variant using bioinformatics tools for the prediction of the effect of amino acid changes on protein structure and function yielded conflicting predictions that this variant is benign or damaging. Based on the available information, we are unable to determine the clinical significance of this variant.

NM_000059.4(BRCA2):c.8668C>A (p.Leu2890Ile)

Gene: BRCA2 (BRCA2 DNA repair associated; plus strand). Cytogenetic location: 13q13.1.
Variant type: single nucleotide variant.
Coding change: c.8668C>A on transcript NM_000059.4 (MANE Select); coding-DNA position 8668, C replaced by A.
Protein change: p.Leu2890Ile; replaces leucine 2890 with isoleucine.
Molecular consequence: missense variant.
Genome position (GRCh38, 1-based): chr13:32,376,705, C>A. VCF-style: chr13-32376705-C-A. GRCh37 (hg19) VCF-style: chr13-32950842-C-A.
Other names: 8896C>A; short protein forms L2890I.
Identifiers: ClinVar variation 52655 (VCV000052655.70), dbSNP rs80359127, ClinGen allele CA025773.